The following is an entry in ClinVar:

ClinVar aggregate classification (germline): Uncertain significance. Review status: criteria provided, multiple submitters, no conflicts (2 of 4 stars). 5 submissions from 5 submitters: Uncertain significance (5). Last evaluated 2026-05-14.

Conditions:
BBS4-related disorder. Also called: BBS4-related condition.
Bardet-Biedl syndrome (BBS). Identifiers: Orphanet 110, MedGen C0752166, MONDO:0015229.
Bardet-Biedl syndrome 4 (BBS4). Identifiers: Orphanet 110, MedGen C2936864, MONDO:0014433, OMIM 615982.

Allele frequency attached by ClinVar (database versions not stated): ExAC 0.00002; gnomAD exomes 0.00004 and 0.00002; ESP Exome Variant Server 0.00008; TOPMed 0.00002; 1000 Genomes Project 0.00020; 1000 Genomes Project 30x 0.00016.
gnomAD v4.1: 27 of 1,614,172 alleles (0.0017%); highest among the groups gnomAD compares: East Asian, 0.0022%; no homozygotes.

Submissions (5):

PreventionGenetics, part of Exact Sciences
Classification: Uncertain significance for BBS4-related condition. Last evaluated: 2026-05-14. Review status: criteria provided, single submitter. Criteria: ACMG Guidelines, 2015. Collection method: clinical testing. Allele origin: germline.
Comment: The BBS4 c.986C>T variant is predicted to result in the amino acid substitution p.Ala329Val. To our knowledge, this variant has not been reported in the literature. This variant is reported in 0.0065% of alleles in individuals of South Asian descent in gnomAD. At this time, the clinical significance of this variant is uncertain due to the absence of conclusive functional and genetic evidence.

Blueprint Genetics
Classification: Uncertain significance. Last evaluated: 2024-11-15. Review status: criteria provided, single submitter. Criteria: ACMG Guidelines, 2015. Collection method: clinical testing. Allele origin: germline.

Labcorp Genetics (formerly Invitae), Labcorp
Classification: Uncertain significance for Bardet-Biedl syndrome. Last evaluated: 2022-02-19. Review status: criteria provided, single submitter. Criteria: Invitae Variant Classification Sherloc (09022015). Collection method: clinical testing. Allele origin: germline.
Comment: This sequence change replaces alanine, which is neutral and non-polar, with valine, which is neutral and non-polar, at codon 329 of the BBS4 protein (p.Ala329Val). This variant is present in population databases (rs201987100, gnomAD 0.006%). This variant has not been reported in the literature in individuals affected with BBS4-related conditions. ClinVar contains an entry for this variant (Variation ID: 166735). Algorithms developed to predict the effect of missense changes on protein structure and function are either unavailable or do not agree on the potential impact of this missense change (SIFT: "Tolerated"; PolyPhen-2: "Possibly Damaging"; Align-GVGD: "Class C0"). In summary, the available evidence is currently insufficient to determine the role of this variant in disease. Therefore, it has been classified as a Variant of Uncertain Significance.

Fulgent Genetics
Classification: Uncertain significance for Bardet-Biedl syndrome 4. Last evaluated: 2021-11-30. Review status: criteria provided, single submitter. Criteria: ACMG Guidelines, 2015. Collection method: clinical testing. Allele origin: unknown.

Eurofins Ntd Llc (ga)
Classification: Uncertain significance. Last evaluated: 2014-03-03. Review status: criteria provided, single submitter. Criteria: EGL Classification Definitions 2015. Collection method: clinical testing. Allele origin: germline. Observed: 1 variant allele, 1 heterozygote.

NM_033028.5(BBS4):c.986C>T (p.Ala329Val)

Gene: BBS4 (Bardet-Biedl syndrome 4; plus strand). Cytogenetic location: 15q24.1.
Variant type: single nucleotide variant.
Coding change: c.986C>T on transcript NM_033028.5 (MANE Select); coding-DNA position 986, C replaced by T.
Protein change: p.Ala329Val; replaces alanine 329 with valine.
Molecular consequence: missense variant. On other transcripts: non-coding transcript variant (2).
Genome position (GRCh38, 1-based): chr15:72,731,676, C>T. VCF-style: chr15-72731676-C-T. GRCh37 (hg19) VCF-style: chr15-73024017-C-T.
Other names: c.470C>T, p.Ala157Val (NM_001252678.2); c.917C>T, p.Ala306Val (NM_001320665.2); c.986C>T (NM_033028.4); short protein forms A329V, A157V, A306V.
Identifiers: ClinVar variation 166735 (VCV000166735.13), dbSNP rs201987100, ClinGen allele CA233517.